The following is an entry in ClinVar:

ClinVar aggregate classification (germline): Uncertain significance. Review status: criteria provided, multiple submitters, no conflicts (2 of 4 stars). 2 submissions from 2 submitters: Uncertain significance (2). Last evaluated 2023-12-12.

Conditions:
Epilepsy, familial adult myoclonic, 5 (EPEO5). Also called: CORTICAL MYOCLONIC TREMOR WITH EPILEPSY, FAMILIAL, 5. Identifiers: Orphanet 86814, MedGen C3809374, MONDO:0014167, OMIM 615400.

Allele frequency attached by ClinVar (database versions not stated): TOPMed 0.00002.
gnomAD v4.1: 60 of 1,613,722 alleles (0.0037%); highest among the groups gnomAD compares: Non-Finnish European, 0.0047%; no homozygotes.

Submissions (2):

Ambry Genetics
Classification: Uncertain significance. Last evaluated: 2023-12-12. Review status: criteria provided, single submitter. Criteria: Ambry Variant Classification Scheme 2023. Collection method: clinical testing. Allele origin: germline.

Labcorp Genetics (formerly Invitae), Labcorp
Classification: Uncertain significance for Epilepsy, familial adult myoclonic, 5. Last evaluated: 2022-03-19. Review status: criteria provided, single submitter. Criteria: Invitae Variant Classification Sherloc (09022015). Collection method: clinical testing. Allele origin: germline.
Comment: This sequence change replaces glutamic acid, which is acidic and polar, with glutamine, which is neutral and polar, at codon 305 of the CNTN2 protein (p.Glu305Gln). This variant is present in population databases (rs143449488, gnomAD 0.01%). This variant has not been reported in the literature in individuals affected with CNTN2-related conditions. ClinVar contains an entry for this variant (Variation ID: 657675). Advanced modeling of protein sequence and biophysical properties (such as structural, functional, and spatial information, amino acid conservation, physicochemical variation, residue mobility, and thermodynamic stability) performed at Invitae indicates that this missense variant is not expected to disrupt CNTN2 protein function. In summary, the available evidence is currently insufficient to determine the role of this variant in disease. Therefore, it has been classified as a Variant of Uncertain Significance.

NM_005076.5(CNTN2):c.913G>C (p.Glu305Gln)

Gene: CNTN2 (contactin 2; plus strand). Cytogenetic location: 1q32.1.
Variant type: single nucleotide variant.
Coding change: c.913G>C on transcript NM_005076.5 (MANE Select); coding-DNA position 913, G replaced by C.
Protein change: p.Glu305Gln; replaces glutamic acid 305 with glutamine.
Molecular consequence: missense variant. On other transcripts: non-coding transcript variant (1).
Genome position (GRCh38, 1-based): chr1:205,061,360, G>C. VCF-style: chr1-205061360-G-C. GRCh37 (hg19) VCF-style: chr1-205030488-G-C.
Other names: c.913G>C, p.Glu305Gln (NM_001346083.2); short protein forms E305Q.
Identifiers: ClinVar variation 657675 (VCV000657675.6), dbSNP rs143449488, ClinGen allele CA1351186.
Genomic context (GRCh38, chr1:205,061,360, plus strand): 5'-ACCACAGCTGAGCCCACCCTGCAGATCCCCAGCGTCAGCTTTGAGGATGAGGGCACCTAC[G>C]AGTGTGAGGCGGAGAACTCCAAGGGCCGAGACACCGTGCAGGGCCGCATCATCGTGCAGG-3'
Protein context (NP_005067.1, residues 295-315): SVSFEDEGTY[Glu305Gln]CEAENSKGRD